The following is an entry in ClinVar:

ClinVar aggregate classification (germline): Uncertain significance (1 of 4 stars; one submission).

Submission:

Ambry Genetics
Classification: Uncertain significance. Last evaluated: 2025-09-29. Review status: criteria provided, single submitter. Criteria: Ambry Variant Classification Scheme 2023. Collection method: clinical testing. Allele origin: germline.
Comment: The p.L261V variant (also known as c.781C>G), located in coding exon 1 of the MC1R gene, results from a C to G substitution at nucleotide position 781. The leucine at codon 261 is replaced by valine, an amino acid with highly similar properties. This amino acid position is conserved. In addition, the in silico prediction for this alteration is inconclusive. Based on the available evidence, the clinical significance of this variant remains unclear.

NM_002386.4(MC1R):c.781C>G (p.Leu261Val)

Gene: MC1R (melanocortin 1 receptor; plus strand). Cytogenetic location: 16q24.3.
Variant type: single nucleotide variant.
Coding change: c.781C>G on transcript NM_002386.4 (MANE Select); coding-DNA position 781, C replaced by G.
Protein change: p.Leu261Val; replaces leucine 261 with valine.
Molecular consequence: missense variant.
Genome position (GRCh38, 1-based): chr16:89,920,039, C>G. VCF-style: chr16-89920039-C-G. GRCh37 (hg19) VCF-style: chr16-89986447-C-G.
Other names: short protein forms L261V.
Identifiers: ClinVar variation 4550292 (VCV004550292.1).
Genomic context (GRCh38, chr16:89,920,039, plus strand): 5'-GTCACCCTCACCATCCTGCTGGGCATTTTCTTCCTCTGCTGGGGCCCCTTCTTCCTGCAT[C>G]TCACACTCATCGTCCTCTGCCCCGAGCACCCCACGTGCGGCTGCATCTTCAAGAACTTCA-3'
Protein context (NP_002377.4, residues 251-271): FLCWGPFFLH[Leu261Val]TLIVLCPEHP